The following is an entry in ClinVar:

NM_002528.7(NTHL1):c.517T>G (p.Phe173Val)

Gene: NTHL1 (nth like DNA glycosylase 1; minus strand). Cytogenetic location: 16p13.3.
Variant type: single nucleotide variant.
Coding change: c.517T>G on transcript NM_002528.7 (MANE Select); coding-DNA position 517, T replaced by G.
Protein change: p.Phe173Val; replaces phenylalanine 173 with valine.
Molecular consequence: missense variant. On other transcripts: intron variant (1).
Genome position (GRCh38, 1-based): chr16:2,044,638, A>C on the plus strand (T>G on the coding strand, the complement: NTHL1 is on the minus strand). VCF-style: chr16-2044638-A-C. GRCh37 (hg19) VCF-style: chr16-2094639-A-C.
Other names: c.187T>G, p.Phe63Val (NM_001318194.2); c.355-912T>G (NM_001318193.2); short protein forms F173V, F63V.
Identifiers: ClinVar variation 1747442 (VCV001747442.2), dbSNP rs2548316116, ClinGen allele CA394294094.

ClinVar aggregate classification (germline): Uncertain significance (1 of 4 stars; one submission).

Conditions:
Hereditary cancer-predisposing syndrome. Also called: Hereditary Cancer Syndrome; Neoplastic Syndromes, Hereditary; Tumor predisposition; Hereditary neoplastic syndrome. Identifiers: Orphanet 140162, MedGen C0027672, MeSH D009386, MONDO:0015356.

Submission:

Ambry Genetics
Classification: Uncertain significance for Hereditary cancer-predisposing syndrome. Last evaluated: 2021-12-11. Review status: criteria provided, single submitter. Criteria: Ambry Variant Classification Scheme 2023. Collection method: clinical testing. Allele origin: germline.
Comment: The p.F181V variant (also known as c.541T>G), located in coding exon 3 of the NTHL1 gene, results from a T to G substitution at nucleotide position 541. The phenylalanine at codon 181 is replaced by valine, an amino acid with highly similar properties. This amino acid position is conserved. In addition, this alteration is predicted to be deleterious by in silico analysis. Since supporting evidence is limited at this time, the clinical significance of this alteration remains unclear.